The following is an entry in ClinVar:

ClinVar aggregate classification (germline): Likely benign (1 of 4 stars; one submission).

Allele frequency attached by ClinVar (database versions not stated): gnomAD exomes below 0.00001.
gnomAD v4.1: 1 of 1,546,186 alleles (0.000065%); highest among the groups gnomAD compares: Non-Finnish European, 0.000087%; no homozygotes.

Submission:

GeneDx
Classification: Likely benign. Last evaluated: 2017-10-23. Review status: criteria provided, single submitter. Criteria: GeneDx Variant Classification (06012015). Collection method: clinical testing. Allele origin: germline. Affected: yes.
Comment: This variant is considered likely benign or benign based on one or more of the following criteria: it is a conservative change, it occurs at a poorly conserved position in the protein, it is predicted to be benign by multiple in silico algorithms, and/or has population frequency not consistent with disease.

NM_001367624.2(ZNF469):c.2733C>T (p.Pro911=)

Gene: ZNF469 (zinc finger protein 469; plus strand). Cytogenetic location: 16q24.2.
Variant type: single nucleotide variant.
Coding change: c.2733C>T on transcript NM_001367624.2 (MANE Select); coding-DNA position 2733, C replaced by T.
Protein change: p.Pro911=; no amino-acid change (proline 911 retained).
Molecular consequence: synonymous variant.
Genome position (GRCh38, 1-based): chr16:88,430,203, C>T. VCF-style: chr16-88430203-C-T. GRCh37 (hg19) VCF-style: chr16-88496611-C-T.
Identifiers: ClinVar variation 512794 (VCV000512794.1), dbSNP rs1278230482, ClinGen allele CA497353735.
Genomic context (GRCh38, chr16:88,430,203, plus strand): 5'-GACTCCAGAGAGCAAAGCTCCGCCCCCGCTCCCAGCAGCCACGCCGGACCCCCAAACCCC[C>T]CGCCCTGGGGACAGGGGCTGCCCAGCCCGAGGCAGGCCCAAAACGCGTTCCCTGGGTCTG-3'
Protein context (NP_001354553.1, residues 901-921): LPAATPDPQT[Pro911=]RPGDRGCPAR